The following is an entry in ClinVar:

ClinVar aggregate classification (germline): Uncertain significance (1 of 4 stars; one submission).

Allele frequency attached by ClinVar (database versions not stated): gnomAD exomes below 0.00001.
gnomAD v4.1: 3 of 1,613,790 alleles (0.00019%); highest among the groups gnomAD compares: Admixed American, 0.0017%; no homozygotes.

Submission:

Ambry Genetics
Classification: Uncertain significance. Last evaluated: 2022-09-05. Review status: criteria provided, single submitter. Criteria: Ambry Variant Classification Scheme 2023. Collection method: clinical testing. Allele origin: germline.
Comment: The p.G184V variant (also known as c.551G>T), located in coding exon 6 of the FAM175A gene, results from a G to T substitution at nucleotide position 551. The glycine at codon 184 is replaced by valine, an amino acid with dissimilar properties. This amino acid position is conserved. In addition, this alteration is predicted to be tolerated by in silico analysis. Since supporting evidence is limited at this time, the clinical significance of this alteration remains unclear.

NM_139076.3(ABRAXAS1):c.551G>T (p.Gly184Val)

Gene: ABRAXAS1 (abraxas 1, BRCA1 A complex subunit; minus strand). Cytogenetic location: 4q21.23.
Variant type: single nucleotide variant.
Coding change: c.551G>T on transcript NM_139076.3 (MANE Select); coding-DNA position 551, G replaced by T.
Protein change: p.Gly184Val; replaces glycine 184 with valine.
Molecular consequence: missense variant.
Genome position (GRCh38, 1-based): chr4:83,469,077, C>A on the plus strand (G>T on the coding strand, the complement: ABRAXAS1 is on the minus strand). VCF-style: chr4-83469077-C-A. GRCh37 (hg19) VCF-style: chr4-84390230-C-A.
Other names: c.224G>T, p.Gly75Val (NM_001345962.2); short protein forms G184V, G75V.
Identifiers: ClinVar variation 1800151 (VCV001800151.2), dbSNP rs1300498786, ClinGen allele CA357259494.